The following is an entry in ClinVar:

ClinVar aggregate classification (germline): Pathogenic (1 of 4 stars; one submission).

Conditions:
Osteogenesis imperfecta type I (OI1). Also called: Lobstein disease; Osteogenesis imperfecta type 1; Lobstein's Disease; OI, TYPE I; OSTEOGENESIS IMPERFECTA TARDA; OSTEOGENESIS IMPERFECTA WITH BLUE SCLERAE. Identifiers: Orphanet 216796, Orphanet 666, MedGen C0023931, MONDO:0008146, OMIM 166200. Disease mechanism: loss of function.

Submission:

Labcorp Genetics (formerly Invitae), Labcorp
Classification: Pathogenic for Osteogenesis imperfecta type I. Last evaluated: 2021-03-12. Review status: criteria provided, single submitter. Criteria: Invitae Variant Classification Sherloc (09022015). Collection method: clinical testing. Allele origin: germline.
Comment: This variant has been observed in individual(s) with clinical features of osteogenesis imperfecta (PMID: 30715774). For these reasons, this variant has been classified as Pathogenic. This variant is not present in population databases (ExAC no frequency). This sequence change creates a premature translational stop signal (p.Gln1102*) in the COL1A1 gene. It is expected to result in an absent or disrupted protein product. Loss-of-function variants in COL1A1 are known to be pathogenic (PMID: 7942841, 9295084, 9443882).

Literature cited by the submitters: PubMed 30715774; PubMed 7942841; PubMed 9295084; PubMed 9443882.

NM_000088.4(COL1A1):c.3304C>T (p.Gln1102Ter)

Gene: COL1A1 (collagen type I alpha 1 chain; minus strand). Cytogenetic location: 17q21.33.
Variant type: single nucleotide variant.
Coding change: c.3304C>T on transcript NM_000088.4 (MANE Select); coding-DNA position 3304, C replaced by T.
Protein change: p.Gln1102Ter; replaces glutamine 1102 with a stop codon.
Molecular consequence: nonsense.
Genome position (GRCh38, 1-based): chr17:50,187,941, G>A on the plus strand (C>T on the coding strand, the complement: COL1A1 is on the minus strand). VCF-style: chr17-50187941-G-A. GRCh37 (hg19) VCF-style: chr17-48265302-G-A.
Other names: short protein forms Q1102*.
Identifiers: ClinVar variation 1385390 (VCV001385390.8), dbSNP rs2144542582, ClinGen allele CA400199802.